The following is an entry in ClinVar:

NM_024426.6(WT1):c.363C>A (p.Tyr121Ter)

Genes: WT1 (WT1 transcription factor; minus strand), LOC107982234 (WT1/WT1-AS bi-directional promoter region; plus strand). Cytogenetic location: 11p13.
Variant type: single nucleotide variant.
Coding change: c.363C>A on transcript NM_024426.6 (MANE Select); coding-DNA position 363, C replaced by A.
Protein change: p.Tyr121Ter; replaces tyrosine 121 with a stop codon.
Molecular consequence: nonsense. On other transcripts: non-coding transcript variant (2).
Genome position (GRCh38, 1-based): chr11:32,434,998, G>T on the plus strand (C>A on the coding strand, the complement: WT1 is on the minus strand). VCF-style: chr11-32434998-G-T. GRCh37 (hg19) VCF-style: chr11-32456544-G-T.
Other names: c.363C>A, p.Tyr121Ter (NM_000378.6, NM_001407044.1, NM_001407045.1 and 6 more transcripts); c.348C>A, p.Tyr116Ter (NM_024425.2); short protein forms Y121*, Y116*.
Identifiers: ClinVar variation 2925478 (VCV002925478.3), dbSNP rs977632626, ClinGen allele CA379965848.
Genomic context (GRCh38, chr11:32,434,998, plus strand): 5'-AGGCGGCGGCGGCGGGGGTGGCGGCGGAGCCGGTGGCGGCGCGGGGCCGCCCAACGACCC[G>T]TAAGCCGAAGCGCCCGGGGGCGCAAAGTCCAGCACCGGCGCCCACTGCGCCGCGCCGCTC-3'

ClinVar aggregate classification (germline): Pathogenic (1 of 4 stars; one submission).

Conditions:
Wilms tumor 1 (WT1). Also called: Wilms tumor, somatic. Identifiers: Orphanet 654, MedGen CN033288, MONDO:0008679, OMIM 194070.
Drash syndrome (DDS). Also called: NEPHROPATHY, WILMS TUMOR, AND GENITAL ANOMALIES; WILMS TUMOR AND PSEUDO- OR TRUE HERMAPHRODITISM. Identifiers: Orphanet 220, MedGen C0950121, MONDO:0008682, OMIM 194080.
Frasier syndrome. Identifiers: Orphanet 347, MedGen C0950122, MeSH D052159, MONDO:0007635, OMIM 136680.
11p partial monosomy syndrome (WAGR). Also called: CHROMOSOME 11p13 DELETION SYNDROME; WAGR Spectrum Disorder; WAGR syndrome; WAGR Complex. Identifiers: Orphanet 893, MedGen C0206115, MONDO:0008681, OMIM 194072.

Submission:

Labcorp Genetics (formerly Invitae), Labcorp
Classification: Pathogenic for Wilms tumor 1; Drash syndrome; 11p partial monosomy syndrome; Frasier syndrome. Last evaluated: 2023-09-12. Review status: criteria provided, single submitter. Criteria: Invitae Variant Classification Sherloc (09022015). Collection method: clinical testing. Allele origin: germline.
Comment: This sequence change creates a premature translational stop signal (p.Tyr116*) in the WT1 gene. It is expected to result in an absent or disrupted protein product. Loss-of-function variants in WT1 are known to be pathogenic (PMID: 15150775). For these reasons, this variant has been classified as Pathogenic. This variant is also known as c.144C>A (p.Y48X). This premature translational stop signal has been observed in individual(s) with bilateral Wilms tumor (PMID: 25688735). This variant is not present in population databases (gnomAD no frequency).

Literature cited by the submitters: PubMed 15150775; PubMed 25688735.